The following is an entry in ClinVar:

NM_000169.3(GLA):c.1015G>C (p.Val339Leu)

Genes: GLA (galactosidase alpha; minus strand), RPL36A-HNRNPH2 (RPL36A-HNRNPH2 readthrough; plus strand). Cytogenetic location: Xq22.1.
Variant type: single nucleotide variant.
Coding change: c.1015G>C on transcript NM_000169.3 (MANE Select); coding-DNA position 1015, G replaced by C.
Protein change: p.Val339Leu; replaces valine 339 with leucine.
Molecular consequence: missense variant. On other transcripts: non-coding transcript variant (3), intron variant (2).
Genome position (GRCh38, 1-based): chrX:101,398,084, C>G on the plus strand (G>C on the coding strand, the complement: GLA is on the minus strand). VCF-style: chrX-101398084-C-G. GRCh37 (hg19) VCF-style: chrX-100653072-C-G.
Other names: c.1138G>C, p.Val380Leu (NM_001406747.1); c.300+2627C>G (NM_001199973.2); c.177+6262C>G (NM_001199974.2); short protein forms V339L, V380L.
Identifiers: ClinVar variation 1384869 (VCV001384869.8), dbSNP rs2147471344, ClinGen allele CA413921221.

ClinVar aggregate classification (germline): Uncertain significance (1 of 4 stars; one submission).

Conditions:
Fabry disease. Also called: Fabry's disease; ALPHA-GALACTOSIDASE A DEFICIENCY; ANDERSON-FABRY DISEASE; CERAMIDE TRIHEXOSIDASE DEFICIENCY; GLA DEFICIENCY; HEREDITARY DYSTOPIC LIPIDOSIS. Identifiers: Orphanet 324, MedGen C0002986, MONDO:0010526, OMIM 301500, HP:0001071. Disease mechanism: Fabry disease is due to inactivating mutations in the X-linked GLA gene resulting in deficiency of the enzyme Alpha Galactosidase-A., loss of function.

Submission:

Labcorp Genetics (formerly Invitae), Labcorp
Classification: Uncertain significance for Fabry disease. Last evaluated: 2026-01-05. Review status: criteria provided, single submitter. Criteria: Invitae Variant Classification Sherloc (09022015). Collection method: clinical testing. Allele origin: germline.
Comment: This sequence change replaces valine, which is neutral and non-polar, with leucine, which is neutral and non-polar, at codon 339 of the GLA protein (p.Val339Leu). This variant is not present in population databases (gnomAD no frequency). This variant has not been reported in the literature in individuals affected with GLA-related conditions. ClinVar contains an entry for this variant (Variation ID: 1384869). Invitae Evidence Modeling of protein sequence and biophysical properties (such as structural, functional, and spatial information, amino acid conservation, physicochemical variation, residue mobility, and thermodynamic stability) indicates that this missense variant is not expected to disrupt GLA protein function with a negative predictive value of 80%. This variant disrupts the p.Val339 amino acid residue in GLA. Other variant(s) that disrupt this residue have been observed in individuals with GLA-related conditions (PMID: 30988410, 31860127), which suggests that this may be a clinically significant amino acid residue. In summary, the available evidence is currently insufficient to determine the role of this variant in disease. Therefore, it has been classified as a Variant of Uncertain Significance.

Literature cited by the submitters: PubMed 30988410; PubMed 31860127.